The following is an entry in ClinVar:

NM_003070.5(SMARCA2):c.2416-4T>C

Gene: SMARCA2 (SWI/SNF related BAF chromatin remodeling complex subunit ATPase 2; plus strand). Cytogenetic location: 9p24.3.
Variant type: single nucleotide variant.
Coding change: c.2416-4T>C on transcript NM_003070.5 (MANE Select); 4 bases into the intron before coding-DNA position 2416, T replaced by C.
Molecular consequence: intron variant.
Genome position (GRCh38, 1-based): chr9:2,084,082, T>C. VCF-style: chr9-2084082-T-C. GRCh37 (hg19) VCF-style: chr9-2084082-T-C.
Other names: c.2416-4T>C (NM_139045.4, NM_001289397.2, NM_001289396.2).
Identifiers: ClinVar variation 3389599 (VCV003389599.14).

ClinVar aggregate classification (germline): Uncertain significance (1 of 4 stars; one submission).

Submission:

CeGaT Center for Human Genetics Tuebingen
Classification: Uncertain significance. Last evaluated: 2024-09-01. Review status: criteria provided, single submitter. Criteria: CeGaT Center For Human Genetics Tuebingen Variant Classification Criteria Version 2. Collection method: clinical testing. Allele origin: germline. Affected: yes. Observed: 1 variant allele.
Comment: SMARCA2: PM2, BP4